The following is an entry in ClinVar:

ClinVar aggregate classification (germline): Uncertain significance. Review status: criteria provided, multiple submitters, no conflicts (2 of 4 stars). 2 submissions from 2 submitters: Uncertain significance (2). Last evaluated 2026-04-01.

Conditions:
Inborn genetic diseases. Identifiers: MedGen C0950123, MeSH D030342.

Allele frequency attached by ClinVar (database versions not stated): gnomAD exomes below 0.00001; gnomAD 0.00001; TOPMed below 0.00001.
gnomAD v4.1: 3 of 1,613,946 alleles (0.00019%); highest among the groups gnomAD compares: Non-Finnish European, 0.00025%; no homozygotes.

Submissions (2):

Ambry Genetics
Classification: Uncertain significance for Inborn genetic diseases. Last evaluated: 2026-04-01. Review status: criteria provided, single submitter. Criteria: Ambry Variant Classification Scheme 2023. Collection method: clinical testing. Allele origin: germline.

GeneDx
Classification: Uncertain significance. Last evaluated: 2017-01-26. Review status: criteria provided, single submitter. Criteria: GeneDx Variant Classification (06012015). Collection method: clinical testing. Allele origin: germline. Affected: yes.
Comment: A variant of uncertain significance has been identified in the MBD5 gene. The A1011D variant has not been published as a pathogenic variant, nor has it been reported as a benign variant to our knowledge. The A1011D variant is not observed in large population cohorts (Lek et al., 2016; 1000 Genomes Consortium et al., 2015; Exome Variant Server). The A1011D variant is a non-conservative amino acid substitution, which is likely to impact secondary protein structure as these residues differ in polarity, charge, size and/or other properties. This substitution occurs at a position that is conserved across species. In silico analysis is inconsistent in its predictions as to whether or not the variant is damaging to the protein structure/function. Based on the currently available information, it is unclear whether this variant is a pathogenic variant or a rare benign variant.

NM_001378120.1(MBD5):c.3731C>A (p.Ala1244Asp)

Gene: MBD5 (methyl-CpG binding domain protein 5; plus strand). Cytogenetic location: 2q23.1.
Variant type: single nucleotide variant.
Coding change: c.3731C>A on transcript NM_001378120.1 (MANE Select); coding-DNA position 3731, C replaced by A.
Protein change: p.Ala1244Asp; replaces alanine 1244 with aspartic acid.
Molecular consequence: missense variant.
Genome position (GRCh38, 1-based): chr2:148,485,928, C>A. VCF-style: chr2-148485928-C-A. GRCh37 (hg19) VCF-style: chr2-149243497-C-A.
Other names: c.3032C>A, p.Ala1011Asp (NM_018328.5); short protein forms A1011D, A1244D.
Identifiers: ClinVar variation 387802 (VCV000387802.3), dbSNP rs1057522910, ClinGen allele CA16603830.
Genomic context (GRCh38, chr2:148,485,928, plus strand): 5'-ATCTCCAGGCGTTCCAAGGACAGTCCACAATTCCTTGCCCAGCTAACAATAACCCCATGG[C>A]TTGTCTGTTTCAGAACTTTCAGGTACTCTCCTCTGCTGTGTCATTTTAGAAGAAAACAAT-3'
Protein context (NP_001365049.1, residues 1234-1254): IPCPANNNPM[Ala1244Asp]CLFQNFQVRM